The following is an entry in ClinVar:

NM_001002755.4(NFU1):c.166+3A>G

Gene: NFU1 (NFU1 iron-sulfur cluster scaffold; minus strand). Cytogenetic location: 2p13.3.
Variant type: single nucleotide variant.
Coding change: c.166+3A>G on transcript NM_001002755.4 (MANE Select); 3 bases into the intron after coding-DNA position 166, A replaced by G.
Molecular consequence: intron variant.
Genome position (GRCh38, 1-based): chr2:69,431,899, T>C on the plus strand (A>G on the coding strand, the complement: NFU1 is on the minus strand). VCF-style: chr2-69431899-T-C. GRCh37 (hg19) VCF-style: chr2-69659031-T-C.
Other names: c.94+3A>G (NM_015700.4, NM_001374284.1); c.-122+3A>G (NM_001002756.2).
Identifiers: ClinVar variation 2008834 (VCV002008834.4), dbSNP rs777633945, ClinGen allele CA1694290.
Genomic context (GRCh38, chr2:69,431,899, plus strand): 5'-AAATCCTAGCACAGTTCCATCAGTTTCTGAAACACAACTGCTATAAAAGAGGTGAAATTT[T>C]ACCTGGGTGATAAAAGGCTGCAGGTAGTGGGAAAAGTGGTCTTTGTACAAACTGATGCAG-3'

ClinVar aggregate classification (germline): Uncertain significance (1 of 4 stars; one submission).

Conditions:
Multiple mitochondrial dysfunctions syndrome 1 (MMDS1). Identifiers: Orphanet 401869, MedGen C3276432, MONDO:0011582, OMIM 605711.

Allele frequency attached by ClinVar (database versions not stated): gnomAD exomes below 0.00001; ExAC 0.00001.
gnomAD v4.1: 1 of 1,595,948 alleles (0.000063%); highest among the groups gnomAD compares: South Asian, 0.0011%; no homozygotes.

Submission:

Labcorp Genetics (formerly Invitae), Labcorp
Classification: Uncertain significance for Multiple mitochondrial dysfunctions syndrome 1. Last evaluated: 2024-08-12. Review status: criteria provided, single submitter. Criteria: Invitae Variant Classification Sherloc (09022015). Collection method: clinical testing. Allele origin: germline.
Comment: This sequence change falls in intron 2 of the NFU1 gene. It does not directly change the encoded amino acid sequence of the NFU1 protein. It affects a nucleotide within the consensus splice site. This variant is present in population databases (rs777633945, gnomAD 0.003%). This variant has not been reported in the literature in individuals affected with NFU1-related conditions. ClinVar contains an entry for this variant (Variation ID: 2008834). Variants that disrupt the consensus splice site are a relatively common cause of aberrant splicing (PMID: 17576681, 9536098). Algorithms developed to predict the effect of sequence changes on RNA splicing suggest that this variant may disrupt the consensus splice site. In summary, the available evidence is currently insufficient to determine the role of this variant in disease. Therefore, it has been classified as a Variant of Uncertain Significance.

Literature cited by the submitters: PubMed 17576681; PubMed 9536098.